The following is an entry in ClinVar:

NM_000444.6(PHEX):c.185C>T (p.Ala62Val)

Gene: PHEX (phosphate regulating endopeptidase X-linked; plus strand). Cytogenetic location: Xp22.11.
Variant type: single nucleotide variant.
Coding change: c.185C>T on transcript NM_000444.6 (MANE Select); coding-DNA position 185, C replaced by T.
Protein change: p.Ala62Val; replaces alanine 62 with valine.
Molecular consequence: missense variant.
Genome position (GRCh38, 1-based): chrX:22,038,535, C>T. VCF-style: chrX-22038535-C-T. GRCh37 (hg19) VCF-style: chrX-22056653-C-T.
Other names: c.185C>T, p.Ala62Val (NM_001282754.2); short protein forms A62V.
Identifiers: ClinVar variation 379615 (VCV000379615.14), dbSNP rs145393882, ClinGen allele CA10367985.

ClinVar aggregate classification (germline): Conflicting classifications of pathogenicity. Review status: criteria provided, conflicting classifications (1 of 4 stars). 4 submissions from 4 submitters: Uncertain significance (2); Likely benign (2). Last evaluated 2024-12-18.

Conditions:
Familial X-linked hypophosphatemic vitamin D refractory rickets (XLHRD). Also called: Hypophosphatemia, vitamin D-resistant rickets; Vitamin D-resistant rickets, X-linked; X-Linked Hypophosphatemia; Hypophosphatemic Rickets, X-Linked Dominant; HYPOPHOSPHATEMIC VITAMIN D-RESISTANT RICKETS. Identifiers: Orphanet 89936, MedGen C0733682, MONDO:0010619, OMIM 307800.

Allele frequency attached by ClinVar (database versions not stated): gnomAD exomes 0.00004; ExAC 0.00005; ESP Exome Variant Server 0.00009; gnomAD 0.00012; TOPMed 0.00012; 1000 Genomes Project 30x 0.00021; 1000 Genomes Project 0.00026.
gnomAD v4.1: 24 of 1,162,996 alleles (0.0021%); highest among the groups gnomAD compares: African/African-American, 0.03%; no homozygotes.

Submissions (4):

Labcorp Genetics (formerly Invitae), Labcorp
Classification: Uncertain significance. Last evaluated: 2024-12-18. Review status: criteria provided, single submitter. Criteria: Invitae Variant Classification Sherloc (09022015). Collection method: clinical testing. Allele origin: germline.
Comment: This sequence change replaces alanine, which is neutral and non-polar, with valine, which is neutral and non-polar, at codon 62 of the PHEX protein (p.Ala62Val). This variant is present in population databases (rs145393882, gnomAD 0.03%), including at least one homozygous and/or hemizygous individual. This missense change has been observed in individual(s) with clinical features of hypophosphatemia (PMID: 34633109; internal data). ClinVar contains an entry for this variant (Variation ID: 379615). An algorithm developed to predict the effect of missense changes on protein structure and function outputs the following: PolyPhen-2: "Benign". The valine amino acid residue is found in multiple mammalian species, which suggests that this missense change does not adversely affect protein function. In summary, the available evidence is currently insufficient to determine the role of this variant in disease. Therefore, it has been classified as a Variant of Uncertain Significance.

Fulgent Genetics
Classification: Likely benign for Familial X-linked hypophosphatemic vitamin D refractory rickets. Last evaluated: 2024-04-10. Review status: criteria provided, single submitter. Criteria: ACMG Guidelines, 2015. Collection method: clinical testing. Allele origin: germline.

Revvity Omics, Revvity
Classification: Uncertain significance for Familial X-linked hypophosphatemic vitamin D refractory rickets. Last evaluated: 2022-06-22. Review status: criteria provided, single submitter. Criteria: ACMG Guidelines, 2015. Collection method: clinical testing. Allele origin: germline.

GeneDx
Classification: Likely benign. Last evaluated: 2016-03-30. Review status: criteria provided, single submitter. Criteria: GeneDx Variant Classification (06012015). Collection method: clinical testing. Allele origin: germline. Affected: yes.
Comment: This variant is considered likely benign or benign based on one or more of the following criteria: it is a conservative change, it occurs at a poorly conserved position in the protein, it is predicted to be benign by multiple in silico algorithms, and/or has population frequency not consistent with disease.

Literature cited by the submitters: PubMed 34633109 (cited by Labcorp Genetics (formerly Invitae), Labcorp).